The following is an entry in ClinVar:

ClinVar aggregate classification (germline): Uncertain significance. Review status: criteria provided, multiple submitters, no conflicts (2 of 4 stars). 3 submissions from 3 submitters: Uncertain significance (3). Last evaluated 2022-08-08.

Conditions:
Hereditary cancer-predisposing syndrome. Also called: Neoplastic Syndromes, Hereditary; Hereditary neoplastic syndrome; Tumor predisposition; Hereditary Cancer Syndrome. Identifiers: Orphanet 140162, MedGen C0027672, MeSH D009386, MONDO:0015356.
Microcephaly, normal intelligence and immunodeficiency (NBS). Also called: Nijmegen breakage syndrome; Microcephaly with normal intelligence immunodeficiency and lymphoreticular malignancies; Nonsyndromal microcephaly autosomal recessive with normal intelligence; Seemanova syndrome 2; Immunodeficiency, microcephaly with normal intelligence; Ataxia telangiectasia variant V1. Identifiers: Orphanet 647, MedGen C0398791, MONDO:0009623, OMIM 251260.

Submissions (3):

Labcorp Genetics (formerly Invitae), Labcorp
Classification: Uncertain significance for Microcephaly, normal intelligence and immunodeficiency. Last evaluated: 2022-08-08. Review status: criteria provided, single submitter. Criteria: Invitae Variant Classification Sherloc (09022015). Collection method: clinical testing. Allele origin: germline.
Comment: This variant is not present in population databases (gnomAD no frequency). This variant has not been reported in the literature in individuals affected with NBN-related conditions. This sequence change replaces phenylalanine, which is neutral and non-polar, with cysteine, which is neutral and slightly polar, at codon 603 of the NBN protein (p.Phe603Cys). In summary, the available evidence is currently insufficient to determine the role of this variant in disease. Therefore, it has been classified as a Variant of Uncertain Significance. Algorithms developed to predict the effect of missense changes on protein structure and function output the following: SIFT: "Tolerated"; PolyPhen-2: "Benign"; Align-GVGD: "Class C0". The cysteine amino acid residue is found in multiple mammalian species, which suggests that this missense change does not adversely affect protein function. ClinVar contains an entry for this variant (Variation ID: 1684940).

Mendelics
Classification: Uncertain significance. Last evaluated: 2022-05-04. Review status: criteria provided, single submitter. Criteria: Mendelics Assertion Criteria 2019. Collection method: clinical testing. Allele origin: germline.

Ambry Genetics
Classification: Uncertain significance for Hereditary cancer-predisposing syndrome. Last evaluated: 2021-06-23. Review status: criteria provided, single submitter. Criteria: Ambry Variant Classification Scheme 2023. Collection method: clinical testing. Allele origin: germline.
Comment: The p.F603C variant (also known as c.1808T>G), located in coding exon 11 of the NBN gene, results from a T to G substitution at nucleotide position 1808. The phenylalanine at codon 603 is replaced by cysteine, an amino acid with highly dissimilar properties. This amino acid position is conserved. In addition, this alteration is predicted to be tolerated by in silico analysis. Since supporting evidence is limited at this time, the clinical significance of this alteration remains unclear.

NM_002485.5(NBN):c.1808T>G (p.Phe603Cys)

Gene: NBN (nibrin; minus strand). Cytogenetic location: 8q21.3.
Variant type: single nucleotide variant.
Coding change: c.1808T>G on transcript NM_002485.5 (MANE Select); coding-DNA position 1808, T replaced by G.
Protein change: p.Phe603Cys; replaces phenylalanine 603 with cysteine.
Molecular consequence: missense variant.
Genome position (GRCh38, 1-based): chr8:89,953,281, A>C on the plus strand (T>G on the coding strand, the complement: NBN is on the minus strand). VCF-style: chr8-89953281-A-C. GRCh37 (hg19) VCF-style: chr8-90965509-A-C.
Other names: c.1562T>G, p.Phe521Cys (NM_001024688.3); short protein forms F521C, F603C.
Identifiers: ClinVar variation 1684940 (VCV001684940.7), dbSNP rs1810522468, ClinGen allele CA371655044.
Genomic context (GRCh38, chr8:89,953,281, plus strand): 5'-CTCTCATTTAAAATGTTACTTACAGATATTTTGCTACTTTCTGGTACTGCTTCATCACTG[A>C]AAGTGTCATTTGTTTCTATATCCATCCTTGGCCTTTTTCTAACATTGACATCTTCCTCCT-3'
Protein context (NP_002476.2, residues 593-613): PRMDIETNDT[Phe603Cys]SDEAVPESSK